The following is an entry in ClinVar:

NM_001111125.3(IQSEC2):c.1611C>T (p.Pro537=)

Gene: IQSEC2 (IQ motif and Sec7 domain ArfGEF 2; minus strand). Cytogenetic location: Xp11.22.
Variant type: single nucleotide variant.
Coding change: c.1611C>T on transcript NM_001111125.3 (MANE Select); coding-DNA position 1611, C replaced by T.
Protein change: p.Pro537=; no amino-acid change (proline 537 retained).
Molecular consequence: synonymous variant.
Genome position (GRCh38, 1-based): chrX:53,250,965, G>A on the plus strand (C>T on the coding strand, the complement: IQSEC2 is on the minus strand). VCF-style: chrX-53250965-G-A. GRCh37 (hg19) VCF-style: chrX-53280147-G-A.
Other names: c.1611C>T, p.Pro537= (NM_001410736.1); c.996C>T, p.Pro332= (NM_015075.2).
Identifiers: ClinVar variation 2660603 (VCV002660603.24), dbSNP rs1556863446, ClinGen allele CA516674206.

ClinVar aggregate classification (germline): Likely benign (1 of 4 stars; one submission).

Submission:

CeGaT Center for Human Genetics Tuebingen
Classification: Likely benign. Last evaluated: 2022-08-01. Review status: criteria provided, single submitter. Criteria: CeGaT Center For Human Genetics Tuebingen Variant Classification Criteria Version 2. Collection method: clinical testing. Allele origin: germline. Affected: yes. Observed: 1 variant allele.
Comment: IQSEC2: PM2:Supporting, BP4, BP7